The following is an entry in ClinVar:

NM_000231.3(SGCG):c.381A>G (p.Lys127=)

Gene: SGCG (sarcoglycan gamma; plus strand). Cytogenetic location: 13q12.12.
Variant type: single nucleotide variant.
Coding change: c.381A>G on transcript NM_000231.3 (MANE Select); coding-DNA position 381, A replaced by G.
Protein change: p.Lys127=; no amino-acid change (lysine 127 retained).
Molecular consequence: synonymous variant.
Genome position (GRCh38, 1-based): chr13:23,250,713, A>G. VCF-style: chr13-23250713-A-G. GRCh37 (hg19) VCF-style: chr13-23824852-A-G.
Other names: c.435A>G, p.Lys145= (NM_001378244.1); c.381A>G, p.Lys127= (NM_001378245.1, NM_001378246.1).
Identifiers: ClinVar variation 2859016 (VCV002859016.3), dbSNP rs2541936691, ClinGen allele CA482918430.

ClinVar aggregate classification (germline): Uncertain significance (1 of 4 stars; one submission).

Conditions:
Autosomal recessive limb-girdle muscular dystrophy type 2C (LGMDR5). Also called: MUSCULAR DYSTROPHY, DUCHENNE-LIKE; MUSCULAR DYSTROPHY, LIMB-GIRDLE, AUTOSOMAL RECESSIVE 5. Identifiers: Orphanet 353, MedGen C0410173, MONDO:0009677, OMIM 253700. Disease mechanism: Affects gamma-sarcoglycan and also disrupts the integrity of the entire sarcoglycan complex..

Submission:

Labcorp Genetics (formerly Invitae), Labcorp
Classification: Uncertain significance for Autosomal recessive limb-girdle muscular dystrophy type 2C. Last evaluated: 2023-08-07. Review status: criteria provided, single submitter. Criteria: Invitae Variant Classification Sherloc (09022015). Collection method: clinical testing. Allele origin: germline.
Comment: In summary, the available evidence is currently insufficient to determine the role of this variant in disease. Therefore, it has been classified as a Variant of Uncertain Significance. Algorithms developed to predict the effect of sequence changes on RNA splicing suggest that this variant may create or strengthen a splice site. This variant has not been reported in the literature in individuals affected with SGCG-related conditions. This variant is not present in population databases (gnomAD no frequency). This sequence change affects codon 127 of the SGCG mRNA. It is a 'silent' change, meaning that it does not change the encoded amino acid sequence of the SGCG protein.